The following is an entry in ClinVar:

ClinVar aggregate classification (germline): Uncertain significance (1 of 4 stars; one submission).

Submission:

Labcorp Genetics (formerly Invitae), Labcorp
Classification: Uncertain significance. Last evaluated: 2023-10-03. Review status: criteria provided, single submitter. Criteria: Invitae Variant Classification Sherloc (09022015). Collection method: clinical testing. Allele origin: germline.
Comment: This sequence change falls in intron 8 of the DNAJB11 gene. It does not directly change the encoded amino acid sequence of the DNAJB11 protein. It affects a nucleotide within the consensus splice site. This variant is not present in population databases (gnomAD no frequency). This variant has not been reported in the literature in individuals affected with DNAJB11-related conditions. ClinVar contains an entry for this variant (Variation ID: 2006676). Variants that disrupt the consensus splice site are a relatively common cause of aberrant splicing (PMID: 17576681, 9536098). Algorithms developed to predict the effect of sequence changes on RNA splicing suggest that this variant is not likely to affect RNA splicing. In summary, the available evidence is currently insufficient to determine the role of this variant in disease. Therefore, it has been classified as a Variant of Uncertain Significance.

Literature cited by the submitters: PubMed 17576681; PubMed 9536098.

NM_016306.6(DNAJB11):c.852+4A>G

Gene: DNAJB11 (DnaJ heat shock protein family (Hsp40) member B11; plus strand). Cytogenetic location: 3q27.3.
Variant type: single nucleotide variant.
Coding change: c.852+4A>G on transcript NM_016306.6 (MANE Select); 4 bases into the intron after coding-DNA position 852, A replaced by G.
Molecular consequence: intron variant.
Genome position (GRCh38, 1-based): chr3:186,583,980, A>G. VCF-style: chr3-186583980-A-G. GRCh37 (hg19) VCF-style: chr3-186301769-A-G.
Other names: c.576+4A>G (NM_001378451.1).
Identifiers: ClinVar variation 2006676 (VCV002006676.4), dbSNP rs2474581972, ClinGen allele CA2580070503.